The following is an entry in ClinVar:

ClinVar aggregate classification (germline): Uncertain significance. Review status: criteria provided, multiple submitters, no conflicts (2 of 4 stars). 2 submissions from 2 submitters: Uncertain significance (2). Last evaluated 2025-09-15.

Conditions:
Epileptic encephalopathy. Identifiers: MedGen C0543888, HP:0200134.

Allele frequency attached by ClinVar (database versions not stated): gnomAD 0.00002 and 0.00003; gnomAD exomes 0.00003; TOPMed 0.00003; ExAC 0.00004; ESP Exome Variant Server 0.00008.

Submissions (2):

Labcorp Genetics (formerly Invitae), Labcorp
Classification: Uncertain significance for Epileptic encephalopathy. Last evaluated: 2025-09-15. Review status: criteria provided, single submitter. Criteria: Invitae Variant Classification Sherloc (09022015). Collection method: clinical testing. Allele origin: germline.
Comment: This sequence change replaces arginine, which is basic and polar, with tryptophan, which is neutral and slightly polar, at codon 2185 of the FASN protein (p.Arg2185Trp). The frequency data for this variant in the population databases is considered unreliable, as metrics indicate poor data quality at this position in the gnomAD database. This variant has not been reported in the literature in individuals affected with FASN-related conditions. ClinVar contains an entry for this variant (Variation ID: 565692). An algorithm developed to predict the effect of missense changes on protein structure and function (PolyPhen-2) suggests that this variant is likely to be tolerated. In summary, the available evidence is currently insufficient to determine the role of this variant in disease. Therefore, it has been classified as a Variant of Uncertain Significance.

Ambry Genetics
Classification: Uncertain significance. Last evaluated: 2024-08-21. Review status: criteria provided, single submitter. Criteria: Ambry Variant Classification Scheme 2023. Collection method: clinical testing. Allele origin: germline.

NM_004104.5(FASN):c.6553C>T (p.Arg2185Trp)

Gene: FASN (fatty acid synthase; minus strand). Cytogenetic location: 17q25.3.
Variant type: single nucleotide variant.
Coding change: c.6553C>T on transcript NM_004104.5 (MANE Select); coding-DNA position 6553, C replaced by T.
Protein change: p.Arg2185Trp; replaces arginine 2185 with tryptophan.
Molecular consequence: missense variant.
Genome position (GRCh38, 1-based): chr17:82,081,206, G>A on the plus strand (C>T on the coding strand, the complement: FASN is on the minus strand). VCF-style: chr17-82081206-G-A. GRCh37 (hg19) VCF-style: chr17-80039082-G-A.
Other names: short protein forms R2185W.
Identifiers: ClinVar variation 565692 (VCV000565692.9), dbSNP rs372065783, ClinGen allele CA8851268.